The following is an entry in ClinVar:

ClinVar aggregate classification (germline): Uncertain significance. Review status: criteria provided, multiple submitters, no conflicts (2 of 4 stars). 3 submissions from 3 submitters: Uncertain significance (3). Last evaluated 2025-12-22.

Conditions:
Hereditary cancer-predisposing syndrome. Also called: Tumor predisposition; Hereditary Cancer Syndrome; Hereditary neoplastic syndrome; Neoplastic Syndromes, Hereditary. Identifiers: Orphanet 140162, MedGen C0027672, MeSH D009386, MONDO:0015356.
POLD1-related polyposis and colorectal cancer syndrome (CRCS10). Also called: Colorectal cancer 10; COLORECTAL CANCER, SUSCEPTIBILITY TO, ON CHROMOSOME 19q; Colorectal cancer, susceptibility to, 10. Identifiers: Orphanet 220460, MedGen C2675481, MONDO:0012953, OMIM 612591.

Allele frequency attached by ClinVar (database versions not stated): gnomAD exomes below 0.00001.
gnomAD v4.1: 1 of 1,595,916 alleles (0.000063%); highest among the groups gnomAD compares: Non-Finnish European, 0.000086%; no homozygotes.

Submissions (3):

Labcorp Genetics (formerly Invitae), Labcorp
Classification: Uncertain significance for POLD1-related polyposis and colorectal cancer syndrome. Last evaluated: 2025-12-22. Review status: criteria provided, single submitter. Criteria: Invitae Variant Classification Sherloc (09022015). Collection method: clinical testing. Allele origin: germline.
Comment: This sequence change replaces isoleucine, which is neutral and non-polar, with valine, which is neutral and non-polar, at codon 317 of the POLD1 protein (p.Ile317Val). This variant is not present in population databases (gnomAD no frequency). This variant has not been reported in the literature in individuals affected with POLD1-related conditions. ClinVar contains an entry for this variant (Variation ID: 1009190). Invitae Evidence Modeling of protein sequence and biophysical properties (such as structural, functional, and spatial information, amino acid conservation, physicochemical variation, residue mobility, and thermodynamic stability) indicates that this missense variant is expected to disrupt POLD1 protein function with a positive predictive value of 80%. In summary, the available evidence is currently insufficient to determine the role of this variant in disease. Therefore, it has been classified as a Variant of Uncertain Significance.

Ambry Genetics
Classification: Uncertain significance for Hereditary cancer-predisposing syndrome. Last evaluated: 2025-09-26. Review status: criteria provided, single submitter. Criteria: Ambry Variant Classification Scheme 2023. Collection method: clinical testing. Allele origin: germline.
Comment: The p.I317V variant (also known as c.949A>G), located in coding exon 7 of the POLD1 gene, results from an A to G substitution at nucleotide position 949. The isoleucine at codon 317 is replaced by valine, an amino acid with highly similar properties. This amino acid position is well conserved in available vertebrate species. In addition, the in silico prediction for this alteration is inconclusive. Since supporting evidence is limited at this time, the clinical significance of this alteration remains unclear.

Quest Diagnostics Nichols Institute San Juan Capistrano
Classification: Uncertain significance. Last evaluated: 2025-05-31. Review status: criteria provided, single submitter. Criteria: Quest Diagnostics criteria. Collection method: clinical testing. Allele origin: unknown.
Comment: The POLD1 c.949A>G (p.Ile317Val) variant has not been reported in individuals with POLD1-related conditions in the published literature. It also has not been reported in large, multi-ethnic general populations (Genome Aggregation Database). Analysis of this variant using bioinformatics tools for the prediction of the effect of amino acid changes on protein structure and function yielded conflicting predictions that this variant is benign or damaging. Based on the available information, we are unable to determine the clinical significance of this variant.

NM_002691.4(POLD1):c.949A>G (p.Ile317Val)

Gene: POLD1 (DNA polymerase delta 1, catalytic subunit; plus strand). Cytogenetic location: 19q13.33.
Variant type: single nucleotide variant.
Coding change: c.949A>G on transcript NM_002691.4 (MANE Select); coding-DNA position 949, A replaced by G.
Protein change: p.Ile317Val; replaces isoleucine 317 with valine.
Molecular consequence: missense variant. On other transcripts: non-coding transcript variant (1).
Genome position (GRCh38, 1-based): chr19:50,402,720, A>G. VCF-style: chr19-50402720-A-G. GRCh37 (hg19) VCF-style: chr19-50905977-A-G.
Other names: c.949A>G, p.Ile317Val (NM_001256849.1, NM_001308632.1); c.949A>G (NM_002691.3); short protein forms I317V.
Identifiers: ClinVar variation 1009190 (VCV001009190.15), dbSNP rs2038704916, ClinGen allele CA406977356.
Genomic context (GRCh38, chr19:50,402,720, plus strand): 5'-AGTCACCCACCGGAAGGGCCATGGCAGCGCATTGCGCCCTTGCGCGTGCTCAGCTTCGAT[A>G]TCGAGTGCGCCGGCCGCAAAGGTCTGTCCCCGGGCCCGGGCTCCTGCCCGCCTCATTGAT-3'
Protein context (NP_002682.2, residues 307-327): IAPLRVLSFD[Ile317Val]ECAGRKGIFP